The following is an entry in ClinVar:

NM_000051.4(ATM):c.2567A>T (p.Asn856Ile)

Gene: ATM (ATM serine/threonine kinase; plus strand). Cytogenetic location: 11q22.3.
Variant type: single nucleotide variant.
Coding change: c.2567A>T on transcript NM_000051.4 (MANE Select); coding-DNA position 2567, A replaced by T.
Protein change: p.Asn856Ile; replaces asparagine 856 with isoleucine.
Molecular consequence: missense variant.
Genome position (GRCh38, 1-based): chr11:108,267,271, A>T. VCF-style: chr11-108267271-A-T. GRCh37 (hg19) VCF-style: chr11-108137998-A-T.
Other names: c.2567A>T, p.Asn856Ile (NM_001351834.2); short protein forms N856I.
Identifiers: ClinVar variation 2587762 (VCV002587762.2), dbSNP rs1555082253, ClinGen allele CA382543838.

ClinVar aggregate classification (germline): Uncertain significance (1 of 4 stars; one submission).

Conditions:
Hereditary cancer-predisposing syndrome. Also called: Tumor predisposition; Hereditary Cancer Syndrome; Hereditary neoplastic syndrome; Neoplastic Syndromes, Hereditary. Identifiers: Orphanet 140162, MedGen C0027672, MeSH D009386, MONDO:0015356.

Submission:

Ambry Genetics
Classification: Uncertain significance for Hereditary cancer-predisposing syndrome. Last evaluated: 2023-06-21. Review status: criteria provided, single submitter. Criteria: Ambry Variant Classification Scheme 2023. Collection method: clinical testing. Allele origin: germline.
Comment: The p.N856I variant (also known as c.2567A>T), located in coding exon 16 of the ATM gene, results from an A to T substitution at nucleotide position 2567. The asparagine at codon 856 is replaced by isoleucine, an amino acid with dissimilar properties. This amino acid position is conserved. In addition, this alteration is predicted to be tolerated by in silico analysis. Since supporting evidence is limited at this time, the clinical significance of this alteration remains unclear.